The following is an entry in ClinVar:

ClinVar aggregate classification (germline): Uncertain significance. Review status: criteria provided, multiple submitters, no conflicts (2 of 4 stars). 2 submissions from 2 submitters: Uncertain significance (2). Last evaluated 2024-05-20.

Conditions:
Inborn genetic diseases. Identifiers: MedGen C0950123, MeSH D030342.
Autosomal dominant Parkinson disease 8. Also called: LRRK2-Related Parkinson Disease; Parkinson disease 8; Parkinson disease 8, susceptibility to. Identifiers: Orphanet 411602, MedGen C1846862, MONDO:0011764, OMIM 607060.

gnomAD v4.1: 1 of 1,603,638 alleles (0.000062%); highest among the groups gnomAD compares: Non-Finnish European, 0.000085%; no homozygotes.

Submissions (2):

Labcorp Genetics (formerly Invitae), Labcorp
Classification: Uncertain significance for Autosomal dominant Parkinson disease 8. Last evaluated: 2024-05-20. Review status: criteria provided, single submitter. Criteria: Invitae Variant Classification Sherloc (09022015). Collection method: clinical testing. Allele origin: germline.
Comment: This sequence change replaces valine, which is neutral and non-polar, with methionine, which is neutral and non-polar, at codon 2504 of the LRRK2 protein (p.Val2504Met). This variant is not present in population databases (gnomAD no frequency). This variant has not been reported in the literature in individuals affected with LRRK2-related conditions. ClinVar contains an entry for this variant (Variation ID: 2567353). Advanced modeling of protein sequence and biophysical properties (such as structural, functional, and spatial information, amino acid conservation, physicochemical variation, residue mobility, and thermodynamic stability) has been performed at Invitae for this missense variant, however the output from this modeling did not meet the statistical confidence thresholds required to predict the impact of this variant on LRRK2 protein function. In summary, the available evidence is currently insufficient to determine the role of this variant in disease. Therefore, it has been classified as a Variant of Uncertain Significance.

Ambry Genetics
Classification: Uncertain significance for Inborn genetic diseases. Last evaluated: 2023-04-08. Review status: criteria provided, single submitter. Criteria: Ambry Variant Classification Scheme 2023. Collection method: clinical testing. Allele origin: germline.
Comment: The p.V2504M variant (also known as c.7510G>A), located in coding exon 51 of the LRRK2 gene, results from a G to A substitution at nucleotide position 7510. The valine at codon 2504 is replaced by methionine, an amino acid with highly similar properties. This amino acid position is conserved. In addition, the in silico prediction for this alteration is inconclusive. Since supporting evidence is limited at this time, the clinical significance of this alteration remains unclear.

NM_198578.4(LRRK2):c.7510G>A (p.Val2504Met)

Gene: LRRK2 (leucine rich repeat kinase 2; plus strand). Cytogenetic location: 12q12.
Variant type: single nucleotide variant.
Coding change: c.7510G>A on transcript NM_198578.4 (MANE Select); coding-DNA position 7510, G replaced by A.
Protein change: p.Val2504Met; replaces valine 2504 with methionine.
Molecular consequence: missense variant.
Genome position (GRCh38, 1-based): chr12:40,367,691, G>A. VCF-style: chr12-40367691-G-A. GRCh37 (hg19) VCF-style: chr12-40761493-G-A.
Other names: short protein forms V2504M.
Identifiers: ClinVar variation 2567353 (VCV002567353.4), dbSNP rs1946922213, ClinGen allele CA384416119.